The following is an entry in ClinVar:

NM_001242896.3(DEPDC5):c.2105G>A (p.Gly702Asp)

Gene: DEPDC5 (DEP domain containing 5, GATOR1 subcomplex subunit; plus strand). Cytogenetic location: 22q12.3.
Variant type: single nucleotide variant.
Coding change: c.2105G>A on transcript NM_001242896.3 (MANE Select); coding-DNA position 2105, G replaced by A.
Protein change: p.Gly702Asp; replaces glycine 702 with aspartic acid.
Molecular consequence: missense variant. On other transcripts: non-coding transcript variant (5).
Genome position (GRCh38, 1-based): chr22:31,833,915, G>A. VCF-style: chr22-31833915-G-A. GRCh37 (hg19) VCF-style: chr22-32229901-G-A.
Other names: c.2105G>A, p.Gly702Asp (NM_001136029.4, NM_001363852.2, NM_001364318.2 and 3 more transcripts); c.1871G>A, p.Gly624Asp (NM_001242897.2, NM_001363854.2, NM_001364319.2); c.2021G>A, p.Gly674Asp (NM_001369901.1, NM_001369902.1); short protein forms G624D, G674D, G702D.
Identifiers: ClinVar variation 2585328 (VCV002585328.1), dbSNP rs2519789840, ClinGen allele CA411284226.

ClinVar aggregate classification (germline): Uncertain significance (1 of 4 stars; one submission).

Conditions:
Epilepsy, familial focal, with variable foci 1 (FFEVF1). Also called: DEPDC5-Related Epilepsy. Identifiers: MedGen C4551983, MONDO:0024556, OMIM 604364.

Submission:

Neuberg Centre For Genomic Medicine, NCGM
Classification: Uncertain significance for Epilepsy, familial focal, with variable foci 1. Review status: criteria provided, single submitter. Criteria: ACMG Guidelines, 2015. Collection method: clinical testing. Allele origin: germline. Inheritance: Autosomal dominant inheritance. Affected: yes.
Comment: The missense variant c.2105G>A (p.Gly702Asp) in DEPDC5 gene has not been reported previously as a pathogenic variant nor as a benign variant, to our knowledge. The p.Gly702Asp variant is novel (not in any individuals) in gnomAD Exomes and 1000 Genomes. The amino acid Gly at position 702 is changed to a Asp changing protein sequence and it might alter its composition and physico-chemical properties. The variant is predicted to be damaging by SIFT and the residue is conserved across species. The amino acid change p.Gly702Asp in DEPDC5 is predicted as conserved by GERP++ and PhyloP across 100 vertebrates. For these reasons, this variant has been classified as Variant of Uncertain Significance (VUS).